The following is an entry in ClinVar:

ClinVar aggregate classification (germline): Uncertain significance (1 of 4 stars; one submission).

Allele frequency attached by ClinVar (database versions not stated): TOPMed below 0.00001; gnomAD 0.00001; gnomAD exomes 0.00001.
gnomAD v4.1: 24 of 1,551,670 alleles (0.0015%); highest among the groups gnomAD compares: Non-Finnish European, 0.0018%; no homozygotes.

Submission:

Labcorp Genetics (formerly Invitae), Labcorp
Classification: Uncertain significance. Last evaluated: 2022-07-12. Review status: criteria provided, single submitter. Criteria: Invitae Variant Classification Sherloc (09022015). Collection method: clinical testing. Allele origin: germline.
Comment: This sequence change replaces glutamic acid, which is acidic and polar, with lysine, which is basic and polar, at codon 2160 of the LOXHD1 protein (p.Glu2160Lys). This variant is not present in population databases (gnomAD no frequency). This variant has not been reported in the literature in individuals affected with LOXHD1-related conditions. ClinVar contains an entry for this variant (Variation ID: 1447514). Algorithms developed to predict the effect of missense changes on protein structure and function are either unavailable or do not agree on the potential impact of this missense change (SIFT: "Deleterious"; PolyPhen-2: "Benign"; Align-GVGD: "Class C0"). In summary, the available evidence is currently insufficient to determine the role of this variant in disease. Therefore, it has been classified as a Variant of Uncertain Significance.

NM_001384474.1(LOXHD1):c.6664G>A (p.Glu2222Lys)

Gene: LOXHD1 (lipoxygenase homology PLAT domains 1; minus strand). Cytogenetic location: 18q21.1.
Variant type: single nucleotide variant.
Coding change: c.6664G>A on transcript NM_001384474.1 (MANE Select); coding-DNA position 6664, G replaced by A.
Protein change: p.Glu2222Lys; replaces glutamic acid 2222 with lysine.
Molecular consequence: missense variant. On other transcripts: intron variant (3).
Genome position (GRCh38, 1-based): chr18:46,477,630, C>T on the plus strand (G>A on the coding strand, the complement: LOXHD1 is on the minus strand). VCF-style: chr18-46477630-C-T. GRCh37 (hg19) VCF-style: chr18-44057593-C-T.
Other names: c.1381G>A, p.Glu461Lys (NM_001145473.3); c.6478G>A, p.Glu2160Lys (NM_144612.7); c.3307+24G>A (NM_001145472.3); c.3033+10G>A (NM_001308013.2); c.1371+10G>A (NM_001173129.2); short protein forms E2160K, E461K, E2222K.
Identifiers: ClinVar variation 1447514 (VCV001447514.5), dbSNP rs982649001, ClinGen allele CA299792225.